The following is an entry in ClinVar:

ClinVar aggregate classification (germline): Uncertain significance (1 of 4 stars; one submission).

Conditions:
Hereditary cancer-predisposing syndrome. Also called: Tumor predisposition; Hereditary Cancer Syndrome; Hereditary neoplastic syndrome; Neoplastic Syndromes, Hereditary. Identifiers: Orphanet 140162, MedGen C0027672, MeSH D009386, MONDO:0015356.

Submission:

Ambry Genetics
Classification: Uncertain significance for Hereditary cancer-predisposing syndrome. Last evaluated: 2024-05-07. Review status: criteria provided, single submitter. Criteria: Ambry Variant Classification Scheme 2023. Collection method: clinical testing. Allele origin: germline.
Comment: The p.E1513V variant (also known as c.4538A>T), located in coding exon 15 of the APC gene, results from an A to T substitution at nucleotide position 4538. The glutamic acid at codon 1513 is replaced by valine, an amino acid with dissimilar properties. This amino acid position is conserved. In addition, in silico predictors for this gene do not accurately predict pathogenicity. Based on the available evidence, the clinical significance of this variant remains unclear.

NM_000038.6(APC):c.4538A>T (p.Glu1513Val)

Gene: APC (APC regulator of Wnt signaling pathway; plus strand). Cytogenetic location: 5q22.2.
Variant type: single nucleotide variant.
Coding change: c.4538A>T on transcript NM_000038.6 (MANE Select); coding-DNA position 4538, A replaced by T.
Protein change: p.Glu1513Val; replaces glutamic acid 1513 with valine.
Molecular consequence: missense variant. On other transcripts: non-coding transcript variant (2).
Genome position (GRCh38, 1-based): chr5:112,840,132, A>T. VCF-style: chr5-112840132-A-T. GRCh37 (hg19) VCF-style: chr5-112175829-A-T.
Other names: c.4538A>T, p.Glu1513Val (NM_001407450.1, NM_001127510.3, NM_001354895.2); c.4517A>T, p.Glu1506Val (NM_001407451.1); c.4508A>T, p.Glu1503Val (NM_001407452.1); c.4484A>T, p.Glu1495Val (NM_001127511.3); c.4592A>T, p.Glu1531Val (NM_001354896.2, NM_001407447.1, NM_001407448.1 and 1 more transcripts); c.4568A>T, p.Glu1523Val (NM_001354897.2); c.4463A>T, p.Glu1488Val (NM_001354898.2); c.4454A>T, p.Glu1485Val (NM_001354899.2); and 11 more; short protein forms E1129V, E1353V, E1384V, E1422V, E1430V, E1495V, E1503V, E1541V.
Identifiers: ClinVar variation 3305179 (VCV003305179.1).